The following is an entry in ClinVar:

ClinVar aggregate classification (germline): Uncertain significance (1 of 4 stars; one submission).

Conditions:
Inborn genetic diseases. Identifiers: MedGen C0950123, MeSH D030342.

gnomAD v4.1: 3 of 1,612,534 alleles (0.00019%); highest among the groups gnomAD compares: African/African-American, 0.0013%; no homozygotes.

Submission:

Ambry Genetics
Classification: Uncertain significance for Inborn genetic diseases. Last evaluated: 2025-08-03. Review status: criteria provided, single submitter. Criteria: Ambry Variant Classification Scheme 2023. Collection method: clinical testing. Allele origin: germline.
Comment: The p.P27S variant (also known as c.79C>T), located in coding exon 2 of the ERCC6L2 gene, results from a C to T substitution at nucleotide position 79. The proline at codon 27 is replaced by serine, an amino acid with similar properties. This amino acid position is conserved. In addition, the in silico prediction for this alteration is inconclusive. Based on the available evidence, the clinical significance of this variant remains unclear.

NM_020207.7(ERCC6L2):c.79C>T (p.Pro27Ser)

Gene: ERCC6L2 (ERCC excision repair 6 like 2; plus strand). Cytogenetic location: 9q22.32.
Variant type: single nucleotide variant.
Coding change: c.79C>T on transcript NM_020207.7 (MANE Select); coding-DNA position 79, C replaced by T.
Protein change: p.Pro27Ser; replaces proline 27 with serine.
Molecular consequence: missense variant. On other transcripts: non-coding transcript variant (1).
Genome position (GRCh38, 1-based): chr9:95,880,901, C>T. VCF-style: chr9-95880901-C-T. GRCh37 (hg19) VCF-style: chr9-98643183-C-T.
Other names: c.79C>T, p.Pro27Ser (NM_001010895.4, NM_001375291.1, NM_001375292.1 and 2 more transcripts); short protein forms P27S.
Identifiers: ClinVar variation 4250613 (VCV004250613.1).